The following is an entry in ClinVar:

ClinVar aggregate classification (germline): Uncertain significance (3 of 4 stars; one submission).

Conditions:
Bernard Soulier syndrome (BSS). Also called: BLEEDING DISORDER, PLATELET-TYPE, 1; PLATELET GLYCOPROTEIN Ib DEFICIENCY; VON WILLEBRAND FACTOR RECEPTOR DEFICIENCY; Platelet Glycoprotein 1b, Deficiency of; Giant platelet syndrome; Hemorrhagiparous thrombocytic dystrophy. Identifiers: Orphanet 274, MedGen C0005129, MeSH D001606, MONDO:0009276, OMIM 231200.

Submission:

ClinGen Platelet Disorders Variant Curation Expert Panel, ClinGen
Classification: Uncertain significance for Bernard Soulier syndrome. Last evaluated: 2026-02-05. Review status: reviewed by expert panel. Criteria: ClinGen Platelet ACMG Specifications GP9 V1.0.0. Collection method: curation. Allele origin: germline. Inheritance: Autosomal recessive inheritance.
Comment: The c.338G>A variant in GP9 is a missense variant predicted to cause substitution of Cysteine by Tyrosine at amino acid 113 (p.Cys113Tyr). At least one patient (Patient 1 in PMID:10583255) with this variant had aggregation absent for ristocetin and present for all other agonists as well as less than 10% expression of GPIba and GP9 measured by flow cytometry, which is highly specific for Bernard-Soulier syndrome. Additionally, the patient had excessive mucocutaneous bleeding and macrothrombocytopenia which are consistent with Bernard-Soulier syndrome (PP4). Surface expression of GP1a and GP9 measured by flow cytometry in CHO cells transiently co-transfected with c.338G>A (p.Cys113Tyr) variant GP9 and wild type GP1a and GP1b showed absent expression, indicating that this variant impacts protein function (PMID: 10583255)(PS3_supporting). This variant is absent from gnomAD v4.1.0 (PM2_Supporting). In summary, this variant meets the criteria to be classified as VUS for autosomal recessive Bernard-Soulier syndrome based on the ACMG/AMP criteria applied, as specified by the ClinGen PD VCEP: PP4, PM3_Supporting, PS3_Supporting and PM2_Supporting (VCEP specifications version 1.1).

NM_000174.5(GP9):c.338G>A (p.Cys113Tyr)

Gene: GP9 (glycoprotein IX platelet; plus strand). Cytogenetic location: 3q21.3.
Variant type: single nucleotide variant.
Coding change: c.338G>A on transcript NM_000174.5 (MANE Select); coding-DNA position 338, G replaced by A.
Protein change: p.Cys113Tyr; replaces cysteine 113 with tyrosine.
Molecular consequence: missense variant.
Genome position (GRCh38, 1-based): chr3:129,062,077, G>A. VCF-style: chr3-129062077-G-A. GRCh37 (hg19) VCF-style: chr3-128780920-G-A.
Other names: NM_000174.5:c.338G>A; short protein forms C113Y.
Identifiers: ClinVar variation 4849244 (VCV004849244.1).
Genomic context (GRCh38, chr3:129,062,077, plus strand): 5'-TCACCTATCTGCGCCTCTGGCTGGAGGACCGCACGCCCGAGGCCCTGCTGCAGGTCCGCT[G>A]TGCCAGCCCCAGCCTCGCTGCCCATGGCCCGCTGGGCCGGCTGACAGGCTACCAGCTGGG-3'
Protein context (NP_000165.1, residues 103-123): RTPEALLQVR[Cys113Tyr]ASPSLAAHGP